The following is an entry in ClinVar:

ClinVar aggregate classification (germline): Benign. Review status: criteria provided, multiple submitters, no conflicts (2 of 4 stars). 2 submissions from 2 submitters: Benign (2). Last evaluated 2018-01-13.

Conditions:
Cohen syndrome (COH1). Also called: PEPPER SYNDROME; Cutis verticis gyrata, retinitis pigmentosa, and sensorineural deafness. Identifiers: Orphanet 193, MedGen C0265223, MONDO:0008999, OMIM 216550.

Allele frequency attached by ClinVar (database versions not stated): gnomAD exomes 0.11085; 1000 Genomes Project 0.20567; 1000 Genomes Project 30x 0.21034; gnomAD 0.21720 and 0.22293; TOPMed 0.22495.
gnomAD v4.1: 32,975 of 152,514 alleles (22%); highest among the groups gnomAD compares: African/African-American, 34%; 4,043 homozygotes.

Submissions (2):

Illumina Laboratory Services, Illumina
Classification: Benign for Cohen syndrome. Last evaluated: 2018-01-13. Review status: criteria provided, single submitter. Criteria: ICSL Variant Classification Criteria 13 December 2019. Collection method: clinical testing. Allele origin: germline.
Comment: This variant was observed in the ICSL laboratory as part of a predisposition screen in an ostensibly healthy population. It had not been previously curated by ICSL or reported in the Human Gene Mutation Database (HGMD: prior to June 1st, 2018), and was therefore a candidate for classification through an automated scoring system. Utilizing variant allele frequency, disease prevalence and penetrance estimates, and inheritance mode, an automated score was calculated to assess if this variant is too frequent to cause the disease. Based on the score and internal cut-off values, a variant classified as benign is not then subjected to further curation. The score for this variant resulted in a classification of benign for this disease.

Breakthrough Genomics
Classification: Benign. Review status: criteria provided, single submitter. Criteria: ACMG Guidelines, 2015. Collection method: not provided. Allele origin: germline. Inheritance: Autosomal recessive inheritance. Affected: yes.

NM_152564.5(VPS13B):c.*1783C>T

Gene: VPS13B (vacuolar protein sorting 13 homolog B; plus strand). Cytogenetic location: 8q22.2.
Variant type: single nucleotide variant.
Coding change: c.*1783C>T on transcript NM_152564.5 (MANE Select); 1783 bases downstream of the stop codon, C replaced by T.
Molecular consequence: 3 prime UTR variant.
Genome position (GRCh38, 1-based): chr8:99,877,449, C>T. VCF-style: chr8-99877449-C-T. GRCh37 (hg19) VCF-style: chr8-100889677-C-T.
Other names: c.*1783C>T (NM_017890.5).
Identifiers: ClinVar variation 361123 (VCV000361123.6), dbSNP rs7157, ClinGen allele CA10626028.